The following is an entry in ClinVar:

NM_001347721.2(DYRK1A):c.1644+13G>A

Gene: DYRK1A (dual specificity tyrosine phosphorylation regulated kinase 1A; plus strand). Cytogenetic location: 21q22.13.
Variant type: single nucleotide variant.
Coding change: c.1644+13G>A on transcript NM_001347721.2 (MANE Select); 13 bases into the intron after coding-DNA position 1644, G replaced by A.
Molecular consequence: intron variant. On other transcripts: missense variant (1).
Genome position (GRCh38, 1-based): chr21:37,506,236, G>A. VCF-style: chr21-37506236-G-A. GRCh37 (hg19) VCF-style: chr21-38878539-G-A.
Other names: c.1684G>A, p.Val562Met (NM_101395.2); c.1671+13G>A (NM_001396.5); c.1644+13G>A (NM_001347722.2, NM_130436.2); c.1557+13G>A (NM_001347723.2); c.1546+647G>A (NM_130438.2); short protein forms V562M.
Identifiers: ClinVar variation 387237 (VCV000387237.6), dbSNP rs752956372, ClinGen allele CA10024032.
Genomic context (GRCh38, chr21:37,506,236, plus strand): 5'-TTCACAGCTGCCGTGCAGGCCATGGACTGCGAGACACACAGTCCCCAGGTGAGCTCGCAC[G>A]TGGTTCATTTGCTTGTGTCACCTGCCATTCTCAGGTGGAGCAGCACTGGATGCCAGGTGC-3'

ClinVar aggregate classification (germline): Likely benign. Review status: criteria provided, multiple submitters, no conflicts (2 of 4 stars). 2 submissions from 2 submitters: Likely benign (2). Last evaluated 2025-08-08.

Conditions:
DYRK1A-related intellectual disability syndrome (MRD7). Also called: Intellectual developmental disorder, autosomal dominant 7; DYRK1A Syndrome. Identifiers: Orphanet 464306, MedGen C5568143, MONDO:0013578, OMIM 614104.

Allele frequency attached by ClinVar (database versions not stated): gnomAD exomes 0.00001 and 0.00002; TOPMed 0.00001; ExAC 0.00002.
gnomAD v4.1: 20 of 1,613,930 alleles (0.0012%); highest among the groups gnomAD compares: Middle Eastern, 0.066%; no homozygotes.

Submissions (2):

Labcorp Genetics (formerly Invitae), Labcorp
Classification: Likely benign for DYRK1A-related intellectual disability syndrome. Last evaluated: 2025-08-08. Review status: criteria provided, single submitter. Criteria: Invitae Variant Classification Sherloc (09022015). Collection method: clinical testing. Allele origin: germline.

GeneDx
Classification: Likely benign. Last evaluated: 2016-06-30. Review status: criteria provided, single submitter. Criteria: GeneDx Variant Classification (06012015). Collection method: clinical testing. Allele origin: germline. Affected: yes.
Comment: This variant is considered likely benign or benign based on one or more of the following criteria: it is a conservative change, it occurs at a poorly conserved position in the protein, it is predicted to be benign by multiple in silico algorithms, and/or has population frequency not consistent with disease.